The following is an entry in ClinVar:

ClinVar aggregate classification (germline): Likely benign (1 of 4 stars; one submission).

Allele frequency attached by ClinVar (database versions not stated): ExAC 0.00002; gnomAD exomes 0.00003; gnomAD 0.00007.
gnomAD v4.1: 56 of 1,474,170 alleles (0.0038%); highest among the groups gnomAD compares: African/African-American, 0.01%; no homozygotes.

Submission:

CeGaT Center for Human Genetics Tuebingen
Classification: Likely benign. Last evaluated: 2026-07-01. Review status: criteria provided, single submitter. Criteria: CeGaT Center For Human Genetics Tuebingen Variant Classification Criteria Version 2. Collection method: clinical testing. Allele origin: germline. Affected: yes. Observed: 4 variant alleles.
Comment: TBP: BP4, BP7

NM_003194.5(TBP):c.240G>A (p.Gln80=)

Genes: TBP (TATA-box binding protein; plus strand), LOC108663996 (TATA-box binding protein repeat instability region; plus strand). Cytogenetic location: 6q27.
Variant type: single nucleotide variant.
Coding change: c.240G>A on transcript NM_003194.5 (MANE Select); coding-DNA position 240, G replaced by A.
Protein change: p.Gln80=; no amino-acid change (glutamine 80 retained).
Molecular consequence: synonymous variant.
Genome position (GRCh38, 1-based): chr6:170,561,976, G>A. VCF-style: chr6-170561976-G-A. GRCh37 (hg19) VCF-style: chr6-170871064-G-A.
Other names: c.180G>A, p.Gln60= (NM_001172085.2).
Identifiers: ClinVar variation 2657161 (VCV002657161.24), dbSNP rs112748399, ClinGen allele CA4108322.